The following is an entry in ClinVar:

NM_004036.5(ADCY3):c.2679C>T (p.Thr893=)

Gene: ADCY3 (adenylate cyclase 3; minus strand). Cytogenetic location: 2p23.3.
Variant type: single nucleotide variant.
Coding change: c.2679C>T on transcript NM_004036.5 (MANE Select); coding-DNA position 2679, C replaced by T.
Protein change: p.Thr893=; no amino-acid change (threonine 893 retained).
Molecular consequence: synonymous variant.
Genome position (GRCh38, 1-based): chr2:24,824,435, G>A on the plus strand (C>T on the coding strand, the complement: ADCY3 is on the minus strand). VCF-style: chr2-24824435-G-A. GRCh37 (hg19) VCF-style: chr2-25047304-G-A.
Other names: c.2682C>T, p.Thr894= (NM_001320613.2); c.2745C>T, p.Thr915= (NM_001377128.1); c.2541C>T, p.Thr847= (NM_001377129.1); c.2274C>T, p.Thr758= (NM_001377130.1); c.1956C>T, p.Thr652= (NM_001377131.1); c.2679C>T, p.Thr893= (NM_001377132.1).
Identifiers: ClinVar variation 4985231 (VCV004985231.1).

ClinVar aggregate classification (germline): Likely benign (1 of 4 stars; one submission).

Conditions:
ADCY3-related disorder. Also called: ADCY3-related condition.

gnomAD v4.1: 1 of 1,614,230 alleles (0.000062%); highest among the groups gnomAD compares: Non-Finnish European, 0.000085%; no homozygotes.

Submission:

PreventionGenetics, part of Exact Sciences
Classification: Likely benign for ADCY3-related condition. Last evaluated: 2024-11-09. Review status: criteria provided, single submitter. Criteria: ACMG Guidelines, 2015. Collection method: clinical testing. Allele origin: germline.
Comment: This variant is classified as likely benign based on ACMG/AMP sequence variant interpretation guidelines (Richards et al. 2015 PMID: 25741868, with internal and published modifications).